The following is an entry in ClinVar:

ClinVar aggregate classification (germline): Uncertain significance. Review status: criteria provided, multiple submitters, no conflicts (2 of 4 stars). 3 submissions from 3 submitters: Uncertain significance (3). Last evaluated 2025-08-31.

Conditions:
Familial cancer of breast. Also called: hereditary breast carcinoma; BREAST CANCER, FAMILIAL; Hereditary breast cancer. Identifiers: Orphanet 227535, MedGen C0346153, MONDO:0016419, OMIM 114480. Disease mechanism: loss of function.
Hereditary cancer-predisposing syndrome. Also called: Tumor predisposition; Hereditary neoplastic syndrome; Hereditary Cancer Syndrome; Neoplastic Syndromes, Hereditary. Identifiers: Orphanet 140162, MedGen C0027672, MeSH D009386, MONDO:0015356.

Submissions (3):

Ambry Genetics
Classification: Uncertain significance for Hereditary cancer-predisposing syndrome. Last evaluated: 2025-08-31. Review status: criteria provided, single submitter. Criteria: Ambry Variant Classification Scheme 2023. Collection method: clinical testing. Allele origin: germline.
Comment: The p.G439R variant (also known as c.1315G>C), located in coding exon 4 of the PALB2 gene, results from a G to C substitution at nucleotide position 1315. The glycine at codon 439 is replaced by arginine, an amino acid with dissimilar properties. This amino acid position is not well conserved in available vertebrate species. In addition, this alteration is predicted to be tolerated by in silico analysis. Since supporting evidence is limited at this time, the clinical significance of this alteration remains unclear.

Color Diagnostics, LLC DBA Color Health
Classification: Uncertain significance for Hereditary cancer-predisposing syndrome. Last evaluated: 2023-12-05. Review status: criteria provided, single submitter. Criteria: ACMG Guidelines, 2015. Collection method: clinical testing. Allele origin: germline.
Comment: This missense variant replaces glycine with arginine at codon 439 of the PALB2 protein. Computational prediction suggests that this variant may not impact protein structure and function (internally defined REVEL score threshold <= 0.5, PMID: 27666373). To our knowledge, functional studies have not been reported for this variant. This variant has not been reported in individuals affected with PALB2-related disorders in the literature. This variant has not been identified in the general population by the Genome Aggregation Database (gnomAD). The available evidence is insufficient to determine the role of this variant in disease conclusively. Therefore, this variant is classified as a Variant of Uncertain Significance.

Labcorp Genetics (formerly Invitae), Labcorp
Classification: Uncertain significance for Familial cancer of breast. Last evaluated: 2018-09-10. Review status: criteria provided, single submitter. Criteria: Invitae Variant Classification Sherloc (09022015). Collection method: clinical testing. Allele origin: germline.
Comment: This sequence change replaces glycine with arginine at codon 439 of the PALB2 protein (p.Gly439Arg). The glycine residue is moderately conserved and there is a moderate physicochemical difference between glycine and arginine. This variant is not present in population databases (ExAC no frequency). This variant has not been reported in the literature in individuals with PALB2-related disease. Algorithms developed to predict the effect of missense changes on protein structure and function are either unavailable or do not agree on the potential impact of this missense change (SIFT: "Tolerated"; PolyPhen-2: "Probably Damaging"; Align-GVGD: "Class C0"). In summary, the available evidence is currently insufficient to determine the role of this variant in disease. Therefore, it has been classified as a Variant of Uncertain Significance.

NM_024675.4(PALB2):c.1315G>C (p.Gly439Arg)

Gene: PALB2 (partner and localizer of BRCA2; minus strand). Cytogenetic location: 16p12.2.
Variant type: single nucleotide variant.
Coding change: c.1315G>C on transcript NM_024675.4 (MANE Select); coding-DNA position 1315, G replaced by C.
Protein change: p.Gly439Arg; replaces glycine 439 with arginine.
Molecular consequence: missense variant.
Genome position (GRCh38, 1-based): chr16:23,635,231, C>G on the plus strand (G>C on the coding strand, the complement: PALB2 is on the minus strand). VCF-style: chr16-23635231-C-G. GRCh37 (hg19) VCF-style: chr16-23646552-C-G.
Other names: short protein forms G439R.
Identifiers: ClinVar variation 578132 (VCV000578132.17), dbSNP rs764750338, ClinGen allele CA395132367.
Genomic context (GRCh38, chr16:23,635,231, plus strand): 5'-CAGTTTCCTCATTGGAAAGGTTTAAATTTTTACTTGCATCCTTATTTTTATTTTTAAACC[C>G]TTTTTTCTTGACATCCAAATGACTCTGAATGACAGCCTCCACGGCTACTTTCCTCTGGCA-3'
Protein context (NP_078951.2, residues 429-449): IQSHLDVKKK[Gly439Arg]FKNKNKDASK